The following is an entry in ClinVar:

NM_000388.4(CASR):c.1828G>T (p.Glu610Ter)

Gene: CASR (calcium sensing receptor; plus strand). Cytogenetic location: 3q21.1.
Variant type: single nucleotide variant.
Coding change: c.1828G>T on transcript NM_000388.4 (MANE Select); coding-DNA position 1828, G replaced by T.
Protein change: p.Glu610Ter; replaces glutamic acid 610 with a stop codon.
Molecular consequence: nonsense.
Genome position (GRCh38, 1-based): chr3:122,283,782, G>T. VCF-style: chr3-122283782-G-T. GRCh37 (hg19) VCF-style: chr3-122002629-G-T.
Other names: c.1858G>T, p.Glu620Ter (NM_001178065.2); short protein forms E610*, E620*.
Identifiers: ClinVar variation 379289 (VCV000379289.3), dbSNP rs1057520557, ClinGen allele CA16604428.

ClinVar aggregate classification (germline): Pathogenic. Review status: criteria provided, multiple submitters, no conflicts (2 of 4 stars). 2 submissions from 2 submitters: Pathogenic (2). Last evaluated 2024-07-30.

Conditions:
Familial hypocalciuric hypercalcemia (FHH). Also called: Familial benign hypercalcemia. Identifiers: Orphanet 405, MedGen C1809471, MONDO:0018458.

Submissions (2):

Women's Health and Genetics/Laboratory Corporation of America, LabCorp
Classification: Pathogenic for Familial hypocalciuric hypercalcemia. Last evaluated: 2024-07-30. Review status: criteria provided, single submitter. Criteria: LabCorp Variant Classification Summary - May 2015. Collection method: clinical testing. Allele origin: germline.
Comment: Variant summary: CASR c.1828G>T (p.Glu610X) results in a premature termination codon, predicted to cause a truncation of the encoded protein, removing a region of the protein that includes the GPCR family 3, C-terminal domain (IPR017978), although it is not expected to result in nonsense mediated decay. Other truncating variants downstream of this codon have been classified as pathogenic by our lab. The variant was absent in 251474 control chromosomes (gnomAD). To our knowledge, no occurrence of c.1828G>T in individuals affected with Familial Hypocalciuric Hypercalcemia and no experimental evidence demonstrating its impact on protein function have been reported. ClinVar contains an entry for this variant (Variation ID: 379289). Based on the evidence outlined above, the variant was classified as pathogenic.

GeneDx
Classification: Pathogenic. Last evaluated: 2015-03-20. Review status: criteria provided, single submitter. Criteria: GeneDx Variant Classification (06012015). Collection method: clinical testing. Allele origin: germline. Affected: yes.
Comment: The E610X nonsense variant in the CASR gene has not been published as a pathogenic variant, nor has it been reportedas a benign polymorphism to our knowledge. It was not observed in approximately 6,500 individuals ofEuropean and African American ancestry in the NHLBI Exome Sequencing Project, indicating it is not acommon benign variant in these populations. E610X is predicted to cause loss of normal protein functionthrough protein truncation as the last 469 residues are lost. In addition, two downstream nonsensevariants (R648X, W718X) have been reported in the Human Gene Mutation Database in association withhypocalciuric hypocalcemia (Stenson et al., 2014). We interpret E610X as a pathogenic variant.